The following is an entry in ClinVar:

ClinVar aggregate classification (germline): Uncertain significance (1 of 4 stars; one submission).

Submission:

GeneDx
Classification: Uncertain significance. Last evaluated: 2026-03-29. Review status: criteria provided, single submitter. Criteria: GeneDx Variant Classification Process June 2021. Collection method: clinical testing. Allele origin: germline.
Comment: Not observed at significant frequency in large population cohorts (gnomAD); In silico analysis supports that this missense variant has a deleterious effect on protein structure/function; Has not been previously published as pathogenic or benign to our knowledge

NM_001146156.2(GSK3B):c.217G>A (p.Ala73Thr)

Gene: GSK3B (glycogen synthase kinase 3 beta; minus strand). Cytogenetic location: 3q13.33.
Variant type: single nucleotide variant.
Coding change: c.217G>A on transcript NM_001146156.2 (MANE Select); coding-DNA position 217, G replaced by A.
Protein change: p.Ala73Thr; replaces alanine 73 with threonine.
Molecular consequence: missense variant.
Genome position (GRCh38, 1-based): chr3:120,002,111, C>T on the plus strand (G>A on the coding strand, the complement: GSK3B is on the minus strand). VCF-style: chr3-120002111-C-T. GRCh37 (hg19) VCF-style: chr3-119720958-C-T.
Other names: c.217G>A, p.Ala73Thr (NM_001354596.2, NM_002093.4); short protein forms A73T.
Identifiers: ClinVar variation 5017883 (VCV005017883.1).